The following is an entry in ClinVar:

NM_001042492.3(NF1):c.5297C>G (p.Ser1766Ter)

Gene: NF1 (neurofibromin 1; plus strand). Cytogenetic location: 17q11.2.
Variant type: single nucleotide variant.
Coding change: c.5297C>G on transcript NM_001042492.3 (MANE Select); coding-DNA position 5297, C replaced by G.
Protein change: p.Ser1766Ter; replaces serine 1766 with a stop codon.
Molecular consequence: nonsense.
Genome position (GRCh38, 1-based): chr17:31,327,527, C>G. VCF-style: chr17-31327527-C-G. GRCh37 (hg19) VCF-style: chr17-29654545-C-G.
Other names: c.[5234C>G] (NM_000267.3); c.5234C>G, p.Ser1745Ter (NM_000267.4); short protein forms S1745*, S1766*.
Identifiers: ClinVar variation 449426 (VCV000449426.16), dbSNP rs1555533555, ClinGen allele CA399009005.

ClinVar aggregate classification (germline): Pathogenic/Likely pathogenic. Review status: criteria provided, multiple submitters, no conflicts (2 of 4 stars). 8 submissions from 8 submitters: Pathogenic (7); Likely pathogenic (1). Last evaluated 2025-12-22.

Conditions:
NF1-related disorder. Also called: NF1-related condition. Identifiers: MedGen CN379171.
Neurofibromatosis, type 1 (NF1). Also called: VON RECKLINGHAUSEN DISEASE; Peripheral type neurofibromatosis; NEUROFIBROMATOSIS, TYPE I, SOMATIC; Neurofibromatosis, type I. Identifiers: Orphanet 636, MedGen C0027831, MONDO:0018975, OMIM 162200. Disease mechanism: loss of function.

gnomAD v4.1: 1 of 1,613,938 alleles (0.000062%); no homozygotes.

Submissions (8):

Labcorp Genetics (formerly Invitae), Labcorp
Classification: Pathogenic for Neurofibromatosis, type 1. Last evaluated: 2025-12-22. Review status: criteria provided, single submitter. Criteria: Invitae Variant Classification Sherloc (09022015). Collection method: clinical testing. Allele origin: germline.
Comment: This sequence change creates a premature translational stop signal (p.Ser1745*) in the NF1 gene. It is expected to result in an absent or disrupted protein product. Loss-of-function variants in NF1 are known to be pathogenic (PMID: 10712197, 23913538). This variant is not present in population databases (gnomAD no frequency). This premature translational stop signal has been observed in individual(s) with clinical features of neurofibromatosis type 1 (PMID: 7643367, 17960768, 19292874, 24232412). In at least one individual the variant was observed to be de novo. Invitae Evidence Modeling of clinical and family history, age, sex, and reported ancestry of multiple individuals with this NF1 variant has been performed. This variant is expected to be pathogenic with a positive predictive value of at least 99%. This is a validated machine learning model that incorporates the clinical features of 1,785,918 individuals referred to our laboratory for NF1 testing. ClinVar contains an entry for this variant (Variation ID: 449426). For these reasons, this variant has been classified as Pathogenic.

GeneDx
Classification: Pathogenic. Last evaluated: 2025-09-17. Review status: criteria provided, single submitter. Criteria: GeneDx Variant Classification Process June 2021. Collection method: clinical testing. Allele origin: germline. Affected: yes.
Comment: Nonsense variant predicted to result in protein truncation or nonsense mediated decay in a gene for which loss of function is a known mechanism of disease; Not observed at significant frequency in large population cohorts (gnomAD); This variant is associated with the following publications: (PMID: 23047742, 14569132, 28454108, 17960768, 9042399, 19292874, 25525159, 24232412, 33877690, 38825366, 34860164, 7643367)

Department of Human Genetics, Hannover Medical School
Classification: Pathogenic for Neurofibromatosis, type 1. Last evaluated: 2024-11-15. Review status: criteria provided, single submitter. Criteria: ACMG Guidelines, 2015. Collection method: clinical testing. Allele origin: germline. Affected: yes.
Comment: PVS1, PS2_Moderate, PM2_Supporting

Genome-Nilou Lab
Classification: Pathogenic for Neurofibromatosis, type 1. Last evaluated: 2022-03-15. Review status: criteria provided, single submitter. Criteria: ACMG Guidelines, 2015. Collection method: clinical testing. Allele origin: germline. Affected: no.

Genome Diagnostics Laboratory, The Hospital for Sick Children
Classification: Pathogenic for Neurofibromatosis, type 1. Last evaluated: 2020-10-26. Review status: criteria provided, single submitter. Criteria: ACMG Guidelines, 2015. Collection method: clinical testing. Allele origin: germline. Affected: yes.

Blueprint Genetics
Classification: Pathogenic for NF1-related disorders. Last evaluated: 2020-04-30. Review status: criteria provided, single submitter. Criteria: ACMG Guidelines, 2015. Collection method: clinical testing. Allele origin: germline. Affected: yes. Observed: 1 variant allele.

Institute of Human Genetics, University of Leipzig Medical Center
Classification: Pathogenic for Neurofibromatosis, type 1. Last evaluated: 2019-01-01. Review status: criteria provided, single submitter. Criteria: ACMG Guidelines, 2015. Collection method: clinical testing. Allele origin: unknown. Affected: yes.

Neuberg Centre For Genomic Medicine, NCGM
Classification: Likely pathogenic for Neurofibromatosis, type 1. Review status: criteria provided, single submitter. Criteria: ACMG Guidelines, 2015. Collection method: clinical testing. Allele origin: germline. Affected: yes.
Comment: The stop gained p.S1745* in NF1 (NM_000267.3) has been reported to ClinVar as Pathogenic but there is no functional studies. The p.S1745* variant is novel (not in any individuals) in gnomAD Exomes and is novel (not in any individuals) in 1000 Genomes. This variant is predicted to cause loss of normal protein function through protein truncation. For these reasons, this variant has been classified as Likely Pathogenic.

Literature cited by the submitters: PubMed 10712197 (cited by Labcorp Genetics (formerly Invitae), Labcorp); PubMed 23913538 (cited by Labcorp Genetics (formerly Invitae), Labcorp); PubMed 7643367 (cited by Labcorp Genetics (formerly Invitae), Labcorp); PubMed 17960768 (cited by Labcorp Genetics (formerly Invitae), Labcorp); PubMed 19292874 (cited by Labcorp Genetics (formerly Invitae), Labcorp); PubMed 24232412 (cited by Labcorp Genetics (formerly Invitae), Labcorp).